The following is an entry in ClinVar:

ClinVar aggregate classification (germline): Uncertain significance (1 of 4 stars; one submission).

Conditions:
Hypertrophic cardiomyopathy 26. Also called: Cardiomyopathy, familial hypertrophic, 26. Identifiers: Orphanet 75249, MedGen C4310749, MONDO:0014883, OMIM 617047.
Myofibrillar myopathy 5. Also called: Filaminopathy (type); FILAMINOPATHY, AUTOSOMAL DOMINANT. Identifiers: Orphanet 171445, MedGen C1836050, MONDO:0012289, OMIM 609524.
Distal myopathy with posterior leg and anterior hand involvement. Also called: WILLIAMS DISTAL MYOPATHY. Identifiers: Orphanet 63273, MedGen C3279722, MONDO:0013550, OMIM 614065.

gnomAD v4.1: 1 of 1,614,202 alleles (0.000062%); highest among the groups gnomAD compares: Admixed American, 0.0017%; no homozygotes.

Submission:

Labcorp Genetics (formerly Invitae), Labcorp
Classification: Uncertain significance for Distal myopathy with posterior leg and anterior hand involvement; Myofibrillar myopathy 5; Hypertrophic cardiomyopathy 26. Last evaluated: 2023-08-14. Review status: criteria provided, single submitter. Criteria: Invitae Variant Classification Sherloc (09022015). Collection method: clinical testing. Allele origin: germline.
Comment: This sequence change replaces threonine, which is neutral and polar, with lysine, which is basic and polar, at codon 550 of the FLNC protein (p.Thr550Lys). This variant is present in population databases (rs779802575, gnomAD 0.003%). This variant has not been reported in the literature in individuals affected with FLNC-related conditions. Advanced modeling of protein sequence and biophysical properties (such as structural, functional, and spatial information, amino acid conservation, physicochemical variation, residue mobility, and thermodynamic stability) has been performed at Invitae for this missense variant, however the output from this modeling did not meet the statistical confidence thresholds required to predict the impact of this variant on FLNC protein function. In summary, the available evidence is currently insufficient to determine the role of this variant in disease. Therefore, it has been classified as a Variant of Uncertain Significance.

NM_001458.5(FLNC):c.1649C>A (p.Thr550Lys)

Gene: FLNC (filamin C; plus strand). Cytogenetic location: 7q32.1.
Variant type: single nucleotide variant.
Coding change: c.1649C>A on transcript NM_001458.5 (MANE Select); coding-DNA position 1649, C replaced by A.
Protein change: p.Thr550Lys; replaces threonine 550 with lysine.
Molecular consequence: missense variant.
Genome position (GRCh38, 1-based): chr7:128,840,647, C>A. VCF-style: chr7-128840647-C-A. GRCh37 (hg19) VCF-style: chr7-128480701-C-A.
Other names: c.1649C>A, p.Thr550Lys (NM_001127487.2); short protein forms T550K.
Identifiers: ClinVar variation 2929296 (VCV002929296.3), dbSNP rs779802575, ClinGen allele CA4474421.